The following is an entry in ClinVar:

ClinVar aggregate classification (germline): Uncertain significance (1 of 4 stars; one submission).

Conditions:
FG syndrome (FGS). Identifiers: MedGen C0220769, MONDO:0002010.

Allele frequency attached by ClinVar (database versions not stated): TOPMed below 0.00001.

Submission:

Labcorp Genetics (formerly Invitae), Labcorp
Classification: Uncertain significance for FG syndrome. Last evaluated: 2023-06-06. Review status: criteria provided, single submitter. Criteria: Invitae Variant Classification Sherloc (09022015). Collection method: clinical testing. Allele origin: germline.
Comment: In summary, the available evidence is currently insufficient to determine the role of this variant in disease. Therefore, it has been classified as a Variant of Uncertain Significance. Advanced modeling of protein sequence and biophysical properties (such as structural, functional, and spatial information, amino acid conservation, physicochemical variation, residue mobility, and thermodynamic stability) has been performed at Invitae for this missense variant, however the output from this modeling did not meet the statistical confidence thresholds required to predict the impact of this variant on MED12 protein function. This variant has not been reported in the literature in individuals affected with MED12-related conditions. This variant is not present in population databases (gnomAD no frequency). This sequence change replaces proline, which is neutral and non-polar, with serine, which is neutral and polar, at codon 13 of the MED12 protein (p.Pro13Ser).

NM_005120.3(MED12):c.37C>T (p.Pro13Ser)

Gene: MED12 (mediator complex subunit 12; plus strand). Cytogenetic location: Xq13.1.
Variant type: single nucleotide variant.
Coding change: c.37C>T on transcript NM_005120.3 (MANE Select); coding-DNA position 37, C replaced by T.
Protein change: p.Pro13Ser; replaces proline 13 with serine.
Molecular consequence: missense variant.
Genome position (GRCh38, 1-based): chrX:71,118,791, C>T. VCF-style: chrX-71118791-C-T. GRCh37 (hg19) VCF-style: chrX-70338641-C-T.
Other names: short protein forms P13S.
Identifiers: ClinVar variation 2919351 (VCV002919351.3), dbSNP rs2092281481, ClinGen allele CA413498319.
Genomic context (GRCh38, chrX:71,118,791, plus strand): 5'-CTCCGGCGCTACGGGCTGGGCAAGATGGCGGCCTTCGGGATCTTGAGCTACGAACACCGG[C>T]CCCTGAAGCGGCCGCGGCTGGGGCCTCCCGATGTTTACCCTCAGGACCCCAAACAGAAGG-3'
Protein context (NP_005111.2, residues 3-23): AFGILSYEHR[Pro13Ser]LKRPRLGPPD